The following is an entry in ClinVar:

ClinVar aggregate classification (germline): Pathogenic/Likely pathogenic. Review status: criteria provided, multiple submitters, no conflicts (2 of 4 stars). 6 submissions from 6 submitters: Pathogenic (3); Likely pathogenic (1). 2 of the submissions do not count toward it. Last evaluated 2026-09-24.

Conditions:
DSP-related disorder. Also called: DSP-related disorders; DSP-related condition.
Cardiovascular phenotype. Identifiers: MedGen CN230736.
Arrhythmogenic cardiomyopathy with wooly hair and keratoderma. Also called: Arrhythmogenic cardiomyopathy with woolly hair and keratoderma; Carvajal syndrome; Dilated cardiomyopathy with woolly hair and keratoderma; PALMOPLANTAR KERATODERMA WITH LEFT VENTRICULAR CARDIOMYOPATHY AND WOOLLY HAIR. Identifiers: Orphanet 65282, MedGen C1854063, MONDO:0011581, OMIM 605676.
Arrhythmogenic right ventricular dysplasia 8 (ARVD8). Also called: Arrhythmogenic Right Ventricular Dysplasia/Cardiomyopathy 8; ARRHYTHMOGENIC RIGHT VENTRICULAR CARDIOMYOPATHY 8; ARRHYTHMOGENIC RIGHT VENTRICULAR DYSPLASIA, FAMILIAL, 8. Identifiers: MedGen C1843896, MONDO:0011831, OMIM 607450.

Allele frequency attached by ClinVar (database versions not stated): TOPMed below 0.00001; gnomAD 0.00001; gnomAD exomes 0.00001.
gnomAD v4.1: 9 of 1,614,004 alleles (0.00056%); highest among the groups gnomAD compares: Non-Finnish European, 0.00076%; no homozygotes.

Submissions (6):

GeneDx
Classification: Likely pathogenic. Last evaluated: 2026-09-24. Review status: criteria provided, single submitter. Criteria: GeneDx Variant Classification Process June 2021. Collection method: clinical testing. Allele origin: germline.
Comment: Published functional studies suggest this variant results in impairment of ligand binding, however additional studies are needed to validate the functional effect of this variant (PMID: 30354334); Not observed at significant frequency in large population cohorts (gnomAD); In silico analysis supports that this missense variant has a deleterious effect on protein structure/function; This variant is associated with the following publications: (PMID: 11841538, 21981446, 30133754, 30354334, 35008956, 41064314)

Ambry Genetics
Classification: Pathogenic for Cardiovascular phenotype. Last evaluated: 2026-08-17. Review status: criteria provided, single submitter. Criteria: Ambry Variant Classification Scheme 2023. Collection method: clinical testing. Allele origin: germline.
Comment: The p.R2366C pathogenic mutation (also known as c.7096C>T), located in coding exon 24 of the DSP gene, results from a C to T substitution at nucleotide position 7096. The arginine at codon 2366 is replaced by cysteine, an amino acid with highly dissimilar properties. This variant has been identified in the homozygous state and compound heterozygous state with other DSP variants in individuals with features consistent with DSP-related disease; in at least one instance, the variants were identified in trans (Whittock NV et al. J Invest Dermatol, 2002 Feb;118:232-8; Smith FJ et al. Br J Dermatol, 2012 Apr;166:894-6; Peter DCV et al. Int J Dermatol, 2018 Sep;57:e73-e75). Affected individuals were described with cutaneous features including skin fragility and keratoderma, hair anomalies including both woolly hair and sparse hair, and nail dystrophy; no affected individuals were reported with cardiac disease, including at least two individuals who underwent both echocardiogram and electrocardiogram. Heterozygous family members were reported as unaffected (Whittock NV et al. J Invest Dermatol, 2002 Feb;118:232-8; Smith FJ et al. Br J Dermatol, 2012 Apr;166:894-6; Peter DCV et al. Int J Dermatol, 2018 Sep;57:e73-e75). Another variant at the same codon, p.R2366H (c.7097G>A), has been identified in the homozygous state in individuals with skin fragility-woolly hair syndrome (Al-Owain M et al. Clin Genet, 2011 Jul;80:50-8). In an assay testing DSP function, the p.R2366C variant showed a functionally abnormal result (Favre B et al. Circ Genom Precis Med, 2018 Sep;11:e002241). This amino acid position is highly conserved in available vertebrate species. In addition, this alteration is predicted to be deleterious by in silico analysis. This variant is considered to be rare based on population cohorts in the Genome Aggregation Database (gnomAD). Based on the supporting evidence, this variant is interpreted as a disease-causing mutation.

Labcorp Genetics (formerly Invitae), Labcorp
Classification: Pathogenic for Arrhythmogenic cardiomyopathy with wooly hair and keratoderma; Arrhythmogenic right ventricular dysplasia 8. Last evaluated: 2025-10-06. Review status: criteria provided, single submitter. Criteria: Invitae Variant Classification Sherloc (09022015). Collection method: clinical testing. Allele origin: germline.
Comment: This sequence change replaces arginine, which is basic and polar, with cysteine, which is neutral and slightly polar, at codon 2366 of the DSP protein (p.Arg2366Cys). This variant is not present in population databases (gnomAD no frequency). This missense change has been observed in individual(s) with clinical features of autosomal recessive Carvajal syndrome (PMID: 11841538, 30133754). In at least one individual the data is consistent with being in trans (on the opposite chromosome) from a pathogenic variant. ClinVar contains an entry for this variant (Variation ID: 16841). An algorithm developed to predict the effect of missense changes on protein structure and function (PolyPhen-2) suggests that this variant is likely to be disruptive. This variant disrupts the p.Arg2366 amino acid residue in DSP. Other variant(s) that disrupt this residue have been determined to be pathogenic (PMID: 20738328). This suggests that this residue is clinically significant, and that variants that disrupt this residue are likely to be disease-causing. For these reasons, this variant has been classified as Pathogenic.

Blueprint Genetics
Classification: Pathogenic for DSP-related disorders. Last evaluated: 2022-10-20. Review status: criteria provided, single submitter. Criteria: ACMG Guidelines, 2015. Collection method: clinical testing. Allele origin: germline. Affected: yes. Observed: 1 variant allele.

OMIM
Classification: Pathogenic for CARDIOMYOPATHY, DILATED, WITH WOOLLY HAIR AND KERATODERMA. Last evaluated: 2002-02-01. Review status: no assertion criteria provided. Collection method: literature only. Allele origin: germline. Not counted in ClinVar's aggregate classification.

Laboratory for Molecular Medicine, Mass General Brigham Personalized Medicine
Classification: Uncertain significance. Last evaluated: 2016-06-16. Review status: flagged submission. Criteria: LMM Criteria. Collection method: clinical testing. Allele origin: germline. Observed: 2 variant alleles. Not counted in ClinVar's aggregate classification.
Comment: Variant classified as Uncertain Significance - Favor Pathogenic. The p.Arg2366Cy s variant in DSP has been reported in the compound heterozygous state in 1 indiv idual with clinical features of Naxos disease (skin fragility and woolly hair sy ndrome; Whittock 2002), but has not been identified in large population studies. A different amino acid change (p.Arg2366His) at the same codon has been reporte d in the homozygous state in 1 individual with clinical features of Naxos diseas e and segregated with disease in 4 affected family members (Al-Owain 2011). Howe ver, neither family presented with a cardiac phenotype. Computational prediction tools and conservation analysis suggest that the p.Arg2366Cys variant may impac t the protein, though this information is not predictive enough to determine pat hogenicity. When inherited in a recessive manner, variants in DSP can result in ARVC or DCM with woolly hair and keratoderma or other skin findings (Norgett 200 0, Alcalai 2003). In summary, while there is some suspicion for a pathogenic rol e, the clinical significance of the p.Arg2366Cys variant is uncertain.
ClinVar note: Reason: Outlier claim with insufficient supporting evidence

Literature cited by the submitters: PubMed 11841538 (cited by 4 submitters); PubMed 20738328 (cited by 3 submitters); PubMed 21967298 (cited by Ambry Genetics); PubMed 21981446 (cited by Ambry Genetics); PubMed 21985232 (cited by Ambry Genetics); PubMed 30133754 (cited by Ambry Genetics and Labcorp Genetics (formerly Invitae), Labcorp); PubMed 30354334 (cited by Ambry Genetics); PubMed 9229116 (cited by OMIM); PubMed 11278896 (cited by OMIM).

NM_004415.4(DSP):c.7096C>T (p.Arg2366Cys)

Gene: DSP (desmoplakin; plus strand). Cytogenetic location: 6p24.3.
Variant type: single nucleotide variant.
Coding change: c.7096C>T on transcript NM_004415.4 (MANE Select); coding-DNA position 7096, C replaced by T.
Protein change: p.Arg2366Cys; replaces arginine 2366 with cysteine.
Molecular consequence: missense variant.
Genome position (GRCh38, 1-based): chr6:7,584,358, C>T. VCF-style: chr6-7584358-C-T. GRCh37 (hg19) VCF-style: chr6-7584591-C-T.
Other names: c.5299C>T, p.Arg1767Cys (NM_001008844.3); c.5767C>T, p.Arg1923Cys (NM_001319034.2); short protein forms R2366C, R1767C, R1923C.
Identifiers: ClinVar variation 16841 (VCV000016841.17), dbSNP rs28931610, ClinGen allele CA007112.